The following is an entry in ClinVar:

ClinVar aggregate classification (germline): Uncertain significance. Review status: criteria provided, multiple submitters, no conflicts (2 of 4 stars). 3 submissions from 3 submitters: Uncertain significance (3). Last evaluated 2025-03-03.

Conditions:
Inborn genetic diseases. Identifiers: MedGen C0950123, MeSH D030342.

Allele frequency attached by ClinVar (database versions not stated): gnomAD exomes below 0.00001; gnomAD 0.00001; TOPMed 0.00002.
gnomAD v4.1: 1 of 1,614,162 alleles (0.000062%); highest among the groups gnomAD compares: Non-Finnish European, 0.000085%; no homozygotes.

Submissions (3):

Labcorp Genetics (formerly Invitae), Labcorp
Classification: Uncertain significance. Last evaluated: 2025-03-03. Review status: criteria provided, single submitter. Criteria: Invitae Variant Classification Sherloc (09022015). Collection method: clinical testing. Allele origin: germline.
Comment: This sequence change replaces valine, which is neutral and non-polar, with glycine, which is neutral and non-polar, at codon 1511 of the FLNB protein (p.Val1511Gly). This variant is not present in population databases (gnomAD no frequency). This variant has not been reported in the literature in individuals affected with FLNB-related conditions. ClinVar contains an entry for this variant (Variation ID: 1224359). Invitae Evidence Modeling of protein sequence and biophysical properties (such as structural, functional, and spatial information, amino acid conservation, physicochemical variation, residue mobility, and thermodynamic stability) has been performed for this missense variant. However, the output from this modeling did not meet the statistical confidence thresholds required to predict the impact of this variant on FLNB protein function. In summary, the available evidence is currently insufficient to determine the role of this variant in disease. Therefore, it has been classified as a Variant of Uncertain Significance.

Ambry Genetics
Classification: Uncertain significance for Inborn genetic diseases. Last evaluated: 2024-06-04. Review status: criteria provided, single submitter. Criteria: Ambry Variant Classification Scheme 2023. Collection method: clinical testing. Allele origin: germline.

Blueprint Genetics
Classification: Uncertain significance. Last evaluated: 2020-02-04. Review status: criteria provided, single submitter. Criteria: ACMG Guidelines, 2015. Collection method: clinical testing. Allele origin: germline.

NM_001457.4(FLNB):c.4532T>G (p.Val1511Gly)

Gene: FLNB (filamin B; plus strand). Cytogenetic location: 3p14.3.
Variant type: single nucleotide variant.
Coding change: c.4532T>G on transcript NM_001457.4 (MANE Select); coding-DNA position 4532, T replaced by G.
Protein change: p.Val1511Gly; replaces valine 1511 with glycine.
Molecular consequence: missense variant.
Genome position (GRCh38, 1-based): chr3:58,134,633, T>G. VCF-style: chr3-58134633-T-G. GRCh37 (hg19) VCF-style: chr3-58120360-T-G.
Other names: c.4625T>G, p.Val1542Gly (NM_001164317.2); c.4532T>G, p.Val1511Gly (NM_001164318.2, NM_001164319.2); short protein forms V1511G, V1542G.
Identifiers: ClinVar variation 1224359 (VCV001224359.6), dbSNP rs937679695, ClinGen allele CA75458379.